The following is an entry in ClinVar:

ClinVar aggregate classification (germline): Uncertain significance (1 of 4 stars; one submission).

Conditions:
Developmental and epileptic encephalopathy, 42 (DEE42A). Also called: DEVELOPMENTAL AND EPILEPTIC ENCEPHALOPATHY 42A; EPILEPTIC ENCEPHALOPATHY, EARLY INFANTILE, 42A; Epileptic encephalopathy, early infantile, 42. Identifiers: MedGen C4310716, MONDO:0014917, OMIM 617106.
Episodic ataxia type 2 (EA2). Also called: ATAXIA, EPISODIC, WITH NYSTAGMUS; ATAXIA, FAMILIAL PAROXYSMAL; CEREBELLAR ATAXIA, PAROXYSMAL, ACETAZOLAMIDE-RESPONSIVE; ACETAZOLAMIDE-RESPONSIVE HEREDITARY PAROXYSMAL CEREBELLAR ATAXIA; CEREBELLOPATHY, HEREDITARY PAROXYSMAL; EPISODIC ATAXIA, NYSTAGMUS-ASSOCIATED. Identifiers: Orphanet 97, MedGen C1720416, MONDO:0007163, OMIM 108500.

Submission:

Labcorp Genetics (formerly Invitae), Labcorp
Classification: Uncertain significance for Developmental and epileptic encephalopathy, 42; Episodic ataxia type 2. Last evaluated: 2019-05-18. Review status: criteria provided, single submitter. Criteria: Invitae Variant Classification Sherloc (09022015). Collection method: clinical testing. Allele origin: germline.
Comment: This sequence change replaces phenylalanine with leucine at codon 1587 of the CACNA1A protein (p.Phe1587Leu). The phenylalanine residue is moderately conserved and there is a small physicochemical difference between phenylalanine and leucine. This variant is not present in population databases (ExAC no frequency). This variant has not been reported in the literature in individuals with CACNA1A-related conditions. Algorithms developed to predict the effect of missense changes on protein structure and function are either unavailable or do not agree on the potential impact of this missense change (SIFT: "Deleterious"; PolyPhen-2: "Benign"; Align-GVGD: "Class C0"). In summary, the available evidence is currently insufficient to determine the role of this variant in disease. Therefore, it has been classified as a Variant of Uncertain Significance.

NM_001127222.2(CACNA1A):c.4758C>A (p.Phe1586Leu)

Gene: CACNA1A (calcium voltage-gated channel subunit alpha1 A; minus strand). Cytogenetic location: 19p13.13.
Variant type: single nucleotide variant.
Coding change: c.4758C>A on transcript NM_001127222.2 (MANE Select); coding-DNA position 4758, C replaced by A.
Protein change: p.Phe1586Leu; replaces phenylalanine 1586 with leucine.
Molecular consequence: missense variant.
Genome position (GRCh38, 1-based): chr19:13,253,099, G>T on the plus strand (C>A on the coding strand, the complement: CACNA1A is on the minus strand). VCF-style: chr19-13253099-G-T. GRCh37 (hg19) VCF-style: chr19-13363913-G-T.
Other names: c.4770C>A, p.Phe1590Leu (NM_000068.4, NM_023035.3); c.4761C>A, p.Phe1587Leu (NM_001127221.2, NM_001174080.2); short protein forms F1586L, F1587L, F1590L.
Identifiers: ClinVar variation 949067 (VCV000949067.10), dbSNP rs2056445437, ClinGen allele CA404338292.